The following is an entry in ClinVar:

NM_001376.5(DYNC1H1):c.10627-16C>T

Gene: DYNC1H1 (dynein cytoplasmic 1 heavy chain 1; plus strand). Cytogenetic location: 14q32.31.
Variant type: single nucleotide variant.
Coding change: c.10627-16C>T on transcript NM_001376.5 (MANE Select); 16 bases into the intron before coding-DNA position 10627, C replaced by T.
Molecular consequence: intron variant.
Genome position (GRCh38, 1-based): chr14:102,034,309, C>T. VCF-style: chr14-102034309-C-T. GRCh37 (hg19) VCF-style: chr14-102500646-C-T.
Identifiers: ClinVar variation 386757 (VCV000386757.12), dbSNP rs762039479, ClinGen allele CA7353451.
Genomic context (GRCh38, chr14:102,034,309, plus strand): 5'-GTGCACAGTTAGAGTCTTGAGAACAGTCCCATCTGTGGCTGTGAAGAGGAGGAAAGGTAA[C>T]GGCCTTGCCTTTCAGTTCCGTACAGATATTGCCAGGACGGAATACCTTTCCAATGCTGAT-3'

ClinVar aggregate classification (germline): Likely benign. Review status: criteria provided, multiple submitters, no conflicts (2 of 4 stars). 4 submissions from 4 submitters: Likely benign (2). 2 of the submissions do not count toward it. Last evaluated 2025-08-04.

Conditions:
Charcot-Marie-Tooth disease axonal type 2O. Also called: CHARCOT-MARIE-TOOTH NEUROPATHY, AXONAL, TYPE 2O; CHARCOT-MARIE-TOOTH DISEASE, AXONAL, AUTOSOMAL DOMINANT, TYPE 2O; Charcot-Marie-Tooth disease, axonal, type 20; Charcot-Marie-Tooth Neuropathy Type 2O. Identifiers: Orphanet 284232, MedGen C3280220, MONDO:0013644, OMIM 614228.

Allele frequency attached by ClinVar (database versions not stated): TOPMed below 0.00001; gnomAD exomes 0.00001 and 0.00002; ExAC 0.00002; gnomAD 0.00004.
gnomAD v4.1: 25 of 1,614,102 alleles (0.0015%); highest among the groups gnomAD compares: East Asian, 0.0089%; no homozygotes.

Submissions (4):

Labcorp Genetics (formerly Invitae), Labcorp
Classification: Likely benign for Charcot-Marie-Tooth disease axonal type 2O. Last evaluated: 2025-08-04. Review status: criteria provided, single submitter. Criteria: Invitae Variant Classification Sherloc (09022015). Collection method: clinical testing. Allele origin: germline.

GeneDx
Classification: Likely benign. Last evaluated: 2017-02-23. Review status: criteria provided, single submitter. Criteria: GeneDx Variant Classification (06012015). Collection method: clinical testing. Allele origin: germline. Affected: yes.
Comment: This variant is considered likely benign or benign based on one or more of the following criteria: it is a conservative change, it occurs at a poorly conserved position in the protein, it is predicted to be benign by multiple in silico algorithms, and/or has population frequency not consistent with disease.

Clinical Genetics, Academic Medical Center
Classification: Likely benign. Review status: no assertion criteria provided. Collection method: clinical testing. Allele origin: germline. Affected: yes. Study: VKGL Data-share Consensus. Not counted in ClinVar's aggregate classification.

Genome Diagnostics Laboratory, University Medical Center Utrecht
Classification: Likely benign. Review status: no assertion criteria provided. Collection method: clinical testing. Allele origin: germline. Affected: yes. Study: VKGL Data-share Consensus. Not counted in ClinVar's aggregate classification.